The following is an entry in ClinVar:

ClinVar aggregate classification (germline): Uncertain significance (1 of 4 stars; one submission).

gnomAD v4.1: 25 of 1,613,754 alleles (0.0015%); highest among the groups gnomAD compares: Non-Finnish European, 0.0019%; no homozygotes.

Submission:

Labcorp Genetics (formerly Invitae), Labcorp
Classification: Uncertain significance. Last evaluated: 2025-05-26. Review status: criteria provided, single submitter. Criteria: Invitae Variant Classification Sherloc (09022015). Collection method: clinical testing. Allele origin: germline.
Comment: This sequence change replaces glycine, which is neutral and non-polar, with arginine, which is basic and polar, at codon 1453 of the LRP6 protein (p.Gly1453Arg). This variant is present in population databases (rs200613079, gnomAD 0.006%). This variant has not been reported in the literature in individuals affected with LRP6-related conditions. ClinVar contains an entry for this variant (Variation ID: 2181316). Invitae Evidence Modeling of protein sequence and biophysical properties (such as structural, functional, and spatial information, amino acid conservation, physicochemical variation, residue mobility, and thermodynamic stability) indicates that this missense variant is not expected to disrupt LRP6 protein function with a negative predictive value of 80%. In summary, the available evidence is currently insufficient to determine the role of this variant in disease. Therefore, it has been classified as a Variant of Uncertain Significance.

NM_002336.3(LRP6):c.4357G>A (p.Gly1453Arg)

Gene: LRP6 (LDL receptor related protein 6; minus strand). Cytogenetic location: 12p13.2.
Variant type: single nucleotide variant.
Coding change: c.4357G>A on transcript NM_002336.3 (MANE Select); coding-DNA position 4357, G replaced by A.
Protein change: p.Gly1453Arg; replaces glycine 1453 with arginine.
Molecular consequence: missense variant.
Genome position (GRCh38, 1-based): chr12:12,125,388, C>T on the plus strand (G>A on the coding strand, the complement: LRP6 is on the minus strand). VCF-style: chr12-12125388-C-T. GRCh37 (hg19) VCF-style: chr12-12278322-C-T.
Other names: c.4450G>A, p.Gly1484Arg (NM_001414244.1); c.4357G>A, p.Gly1453Arg (NM_001414245.1, NM_001414248.1, NM_001414249.1 and 1 more transcripts); c.4222G>A, p.Gly1408Arg (NM_001414246.1); c.4159G>A, p.Gly1387Arg (NM_001414247.1); c.3994G>A, p.Gly1332Arg (NM_001414251.1); c.3904G>A, p.Gly1302Arg (NM_001414252.1, NM_001414253.1, NM_001414254.1); c.3850G>A, p.Gly1284Arg (NM_001414255.1); short protein forms G1302R, G1332R, G1387R, G1284R, G1408R, G1484R, G1453R.
Identifiers: ClinVar variation 2181316 (VCV002181316.4), dbSNP rs200613079, ClinGen allele CA6454977.